The following is an entry in ClinVar:

NM_001378183.1(PIEZO2):c.4981dup (p.Arg1661fs)

Gene: PIEZO2 (piezo type mechanosensitive ion channel component 2; minus strand). Cytogenetic location: 18p11.22.
Variant type: Duplication.
Coding change: c.4981dup on transcript NM_001378183.1 (MANE Select); coding-DNA position 4981, one base duplicated (A; older notation c.4981dupA).
Protein change: p.Arg1661fs; shifts the reading frame from arginine 1661.
Molecular consequence: frameshift variant.
Genome position (GRCh38, 1-based): chr18:10,731,455, T duplicated on the plus strand (A on the coding strand, the reverse complement: PIEZO2 is on the minus strand); the first of 7 consecutive T bases (chr18:10,731,455-10,731,461); duplicating any one gives the same sequence. VCF-style (leftmost placement, unchanged base first): chr18-10731454-C-CT. GRCh37 (hg19) VCF-style: chr18-10731452-C-CT.
Other names: c.4882dup, p.Arg1628fs (NM_001410871.1); c.4807dup, p.Arg1603fs (NM_022068.4); short protein forms R1603fs, R1628fs, R1661fs.
Identifiers: ClinVar variation 3777324 (VCV003777324.2).

ClinVar aggregate classification (germline): Likely pathogenic (1 of 4 stars; one submission).

Submission:

GeneDx
Classification: Likely pathogenic. Last evaluated: 2025-11-07. Review status: criteria provided, single submitter. Criteria: GeneDx Variant Classification Process June 2021. Collection method: clinical testing. Allele origin: germline.
Comment: Frameshift variant predicted to result in protein truncation or nonsense mediated decay in a gene for which loss of function is a known mechanism of disease; Not observed at significant frequency in large population cohorts (gnomAD); Has not been previously published as pathogenic or benign to our knowledge